The following is an entry in ClinVar:

ClinVar aggregate classification (germline): Likely pathogenic. Review status: criteria provided, multiple submitters, no conflicts (2 of 4 stars). 2 submissions from 2 submitters: Likely pathogenic (2). Last evaluated 2024-11-13.

Conditions:
Hyperkalemic periodic paralysis. Also called: Familial hyperkalemic periodic paralysis; Gamstorp disease. Identifiers: Orphanet 682, MedGen C0238357, MONDO:0008224, OMIM 170500, HP:0007215.

Submissions (2):

Athena Diagnostics
Classification: Likely pathogenic. Last evaluated: 2024-11-13. Review status: criteria provided, single submitter. Criteria: Athena Diagnostics Criteria. Collection method: clinical testing. Allele origin: unknown.
Comment: This variant has not been reported in large, multi-ethnic general populations. This variant has been identified in at least one individual with paramyotonia congenita. Assessment of experimental evidence suggests this variant results in abnormal protein function. PMID: 15790667

Labcorp Genetics (formerly Invitae), Labcorp
Classification: Likely pathogenic for Hyperkalemic periodic paralysis. Last evaluated: 2022-12-20. Review status: criteria provided, single submitter. Criteria: Invitae Variant Classification Sherloc (09022015). Collection method: clinical testing. Allele origin: germline.
Comment: Advanced modeling of protein sequence and biophysical properties (such as structural, functional, and spatial information, amino acid conservation, physicochemical variation, residue mobility, and thermodynamic stability) performed at Invitae indicates that this missense variant is expected to disrupt SCN4A protein function. In summary, the currently available evidence indicates that the variant is pathogenic, but additional data are needed to prove that conclusively. Therefore, this variant has been classified as Likely Pathogenic. Experimental studies have shown that this missense change affects SCN4A function (PMID: 15790667). This missense change has been observed in individuals with clinical features of paramyotonia congenita (PMID: 15790667; Invitae). This variant is not present in population databases (gnomAD no frequency). This sequence change replaces alanine, which is neutral and non-polar, with aspartic acid, which is acidic and polar, at codon 1152 of the SCN4A protein (p.Ala1152Asp).

Literature cited by the submitters: PubMed 15790667 (cited by Athena Diagnostics and Labcorp Genetics (formerly Invitae), Labcorp).

NM_000334.4(SCN4A):c.3455C>A (p.Ala1152Asp)

Genes: GH-LCR (growth hormone locus control region; plus strand), SCN4A (sodium voltage-gated channel alpha subunit 4; minus strand). Cytogenetic location: 17q23.3.
Variant type: single nucleotide variant.
Coding change: c.3455C>A on transcript NM_000334.4 (MANE Select); coding-DNA position 3455, C replaced by A.
Protein change: p.Ala1152Asp; replaces alanine 1152 with aspartic acid.
Molecular consequence: missense variant.
Genome position (GRCh38, 1-based): chr17:63,945,625, G>T on the plus strand (C>A on the coding strand, the complement: SCN4A is on the minus strand). VCF-style: chr17-63945625-G-T. GRCh37 (hg19) VCF-style: chr17-62022985-G-T.
Other names: short protein forms A1152D.
Identifiers: ClinVar variation 2725917 (VCV002725917.4), dbSNP rs2509291040, ClinGen allele CA400618813.